The following is an entry in ClinVar:

NM_000487.6(ARSA):c.1214C>T (p.Ser405Phe)

Gene: ARSA (arylsulfatase A; minus strand). Cytogenetic location: 22q13.33.
Variant type: single nucleotide variant.
Coding change: c.1214C>T on transcript NM_000487.6 (MANE Select); coding-DNA position 1214, C replaced by T.
Protein change: p.Ser405Phe; replaces serine 405 with phenylalanine.
Molecular consequence: missense variant.
Genome position (GRCh38, 1-based): chr22:50,625,461, G>A on the plus strand (C>T on the coding strand, the complement: ARSA is on the minus strand). VCF-style: chr22-50625461-G-A. GRCh37 (hg19) VCF-style: chr22-51063889-G-A.
Other names: c.1214C>T, p.Ser405Phe (NM_001085425.3, NM_001085426.3, NM_001085427.3); c.956C>T, p.Ser319Phe (NM_001085428.3, NM_001362782.2); short protein forms S319F, S405F.
Identifiers: ClinVar variation 1705736 (VCV001705736.4), dbSNP rs531086556, ClinGen allele CA10324764.

ClinVar aggregate classification (germline): Uncertain significance (1 of 4 stars; one submission).

Conditions:
Metachromatic leukodystrophy (MLD). Also called: Arylsulfatase A Deficiency; ARSA DEFICIENCY; CEREBROSIDE SULFATASE DEFICIENCY; METACHROMATIC LEUKOENCEPHALOPATHY; SULFATIDE LIPIDOSIS; Cerebral sclerosis diffuse metachromatic form. Identifiers: Orphanet 512, MedGen C0023522, MONDO:0018868, OMIM 250100.

Allele frequency attached by ClinVar (database versions not stated): gnomAD exomes below 0.00001; 1000 Genomes Project 30x 0.00016; gnomAD 0.00001; 1000 Genomes Project 0.00020; ExAC 0.00001.

Submissions (2):

3billion
Classification: Uncertain significance for Metachromatic leukodystrophy. Last evaluated: 2022-09-01. Review status: criteria provided, single submitter. Criteria: ACMG Guidelines, 2015. Collection method: clinical testing. Allele origin: germline. Affected: yes. Observed: 1 homozygote.
Comment: This missense variant is observed at an extremely low frequency in the gnomAD v2.1.1 dataset (total allele frequency: <0.001%). In silico tool predictions suggest damaging effect of the variant on gene or gene product (REVEL: 0.64; 3Cnet: 0.39). Therefore, this variant is classified as uncertain significance according to the recommendation of ACMG/AMP guideline.

Gelb Laboratory, University of Washington
No classification provided (evidence only). Condition: Metachromatic leukodystrophy. Review status: no classification provided. Collection method: in vitro. Allele origin: not applicable. Functional consequence: loss of function. Not counted in ClinVar's aggregate classification.